The following is an entry in ClinVar:

NM_004082.5(DCTN1):c.3778C>T (p.His1260Tyr)

Gene: DCTN1 (dynactin subunit 1; minus strand). Cytogenetic location: 2p13.1.
Variant type: single nucleotide variant.
Coding change: c.3778C>T on transcript NM_004082.5 (MANE Select); coding-DNA position 3778, C replaced by T.
Protein change: p.His1260Tyr; replaces histidine 1260 with tyrosine.
Molecular consequence: missense variant. On other transcripts: non-coding transcript variant (1).
Genome position (GRCh38, 1-based): chr2:74,361,558, G>A on the plus strand (C>T on the coding strand, the complement: DCTN1 is on the minus strand). VCF-style: chr2-74361558-G-A. GRCh37 (hg19) VCF-style: chr2-74588685-G-A.
Other names: c.3703C>T, p.His1235Tyr (NM_001135040.3); c.3361C>T, p.His1121Tyr (NM_001135041.3); c.3652C>T, p.His1218Tyr (NM_001190836.2); c.3757C>T, p.His1253Tyr (NM_001190837.2); c.3727C>T, p.His1243Tyr (NM_001378991.1); c.3709C>T, p.His1237Tyr (NM_001378992.1); c.3376C>T, p.His1126Tyr (NM_023019.4); short protein forms H1126Y, H1260Y, H1218Y, H1253Y, H1121Y, H1235Y, H1237Y, H1243Y.
Identifiers: ClinVar variation 582305 (VCV000582305.10), dbSNP rs1375787578, ClinGen allele CA347334521.
Genomic context (GRCh38, chr2:74,361,558, plus strand): 5'-CTTAGGAGATGAGGCGACTGTGAAGCTGGTGCAGCTGCTCCTGGGTCAGCACCAGCCGGT[G>A]TCGCTGTCCAAAACCAGCCGCACATGAGAAGGTCACTTTGCCCATGTAGACTGTGTCATC-3'
Protein context (NP_004073.2, residues 1250-1270): FSCAAGFGQR[His1260Tyr]RLVLTQEQLH

ClinVar aggregate classification (germline): Uncertain significance. Review status: criteria provided, multiple submitters, no conflicts (2 of 4 stars). 2 submissions from 2 submitters: Uncertain significance (2). Last evaluated 2026-06-17.

Conditions:
Inborn genetic diseases. Identifiers: MedGen C0950123, MeSH D030342.
Amyotrophic lateral sclerosis type 1 (ALS1). Also called: AMYOTROPHIC LATERAL SCLEROSIS 1, FAMILIAL. Identifiers: Orphanet 803, MedGen C1862939, MONDO:0007103, OMIM 105400.
Neuronopathy, distal hereditary motor, type 7B. Also called: HMN VIIB; LOWER MOTOR NEURON DISEASE, DYNACTIN TYPE; Distal Hereditary Motor Neuronopathy Type 7B (dHMN7B); NEURONOPATHY, DISTAL HEREDITARY MOTOR, AUTOSOMAL DOMINANT 14; NEURONOPATHY, DISTAL HEREDITARY MOTOR, HARDING TYPE VIIB; NEUROPATHY, DISTAL HEREDITARY MOTOR, HARDING TYPE VIIB. Identifiers: Orphanet 139589, MedGen C1843315, MONDO:0011879, OMIM 607641.
Perry syndrome. Also called: PARKINSONISM WITH ALVEOLAR HYPOVENTILATION AND MENTAL DEPRESSION. Identifiers: Orphanet 178509, MedGen C1868594, MONDO:0008201, OMIM 168605.

Allele frequency attached by ClinVar (database versions not stated): gnomAD exomes below 0.00001 and 0.00001.
gnomAD v4.1: 4 of 1,614,172 alleles (0.00025%); highest among the groups gnomAD compares: South Asian, 0.0011%; no homozygotes.

Submissions (2):

Ambry Genetics
Classification: Uncertain significance for Inborn genetic diseases. Last evaluated: 2026-06-17. Review status: criteria provided, single submitter. Criteria: Ambry Variant Classification Scheme 2023. Collection method: clinical testing. Allele origin: germline.
Comment: The c.3778C>T (p.H1260Y) alteration is located in exon 32 (coding exon 32) of the DCTN1 gene. This alteration results from a C to T substitution at nucleotide position 3778, causing the histidine (H) at amino acid position 1260 to be replaced by a tyrosine (Y). Based on data from gnomAD, the T allele has an overall frequency of <0.001% (1/251406) total alleles studied. The highest observed frequency was 0.003% (1/30614) of South Asian alleles. Based on insufficient or conflicting evidence, the clinical significance of this alteration remains unclear.

Labcorp Genetics (formerly Invitae), Labcorp
Classification: Uncertain significance for Amyotrophic lateral sclerosis type 1; Neuronopathy, distal hereditary motor, type 7B; Perry syndrome. Last evaluated: 2022-10-18. Review status: criteria provided, single submitter. Criteria: Invitae Variant Classification Sherloc (09022015). Collection method: clinical testing. Allele origin: germline.
Comment: In summary, the available evidence is currently insufficient to determine the role of this variant in disease. Therefore, it has been classified as a Variant of Uncertain Significance. Algorithms developed to predict the effect of missense changes on protein structure and function are either unavailable or do not agree on the potential impact of this missense change (SIFT: "Deleterious"; PolyPhen-2: "Benign"; Align-GVGD: "Class C65"). ClinVar contains an entry for this variant (Variation ID: 582305). This variant has not been reported in the literature in individuals affected with DCTN1-related conditions. This variant is present in population databases (no rsID available, gnomAD 0.003%). This sequence change replaces histidine, which is basic and polar, with tyrosine, which is neutral and polar, at codon 1260 of the DCTN1 protein (p.His1260Tyr).